The following is an entry in ClinVar:

NM_007269.4(STXBP3):c.1029+1G>A

Gene: STXBP3 (syntaxin binding protein 3; plus strand). Cytogenetic location: 1p13.3.
Variant type: single nucleotide variant.
Coding change: c.1029+1G>A on transcript NM_007269.4 (MANE Select); the canonical splice donor site of the intron after coding-DNA position 1029, G replaced by A.
Molecular consequence: splice donor variant.
Genome position (GRCh38, 1-based): chr1:108,793,648, G>A. VCF-style: chr1-108793648-G-A. GRCh37 (hg19) VCF-style: chr1-109336270-G-A.
Identifiers: ClinVar variation 2431650 (VCV002431650.3), dbSNP rs1384737521, ClinGen allele CA341450101.
Genomic context (GRCh38, chr1:108,793,648, plus strand): 5'-CTTAGTGCTCTTACCCAGCTGATGAAAAAGATGCCCCATTTCCGAAAACAGATTACTAAG[G>A]TAAGCAGTATTGTATATGAGATACCTGATTAGTTTTAGTTTATATTCAGTTTATATTCAG-3'

ClinVar aggregate classification (germline): Uncertain significance (1 of 4 stars; one submission).

Submission:

Laboratorio de Genetica e Diagnostico Molecular, Hospital Israelita Albert Einstein
Classification: Uncertain significance. Last evaluated: 2022-11-24. Review status: criteria provided, single submitter. Criteria: ACMG Guidelines, 2015. Collection method: clinical testing. Allele origin: germline. Affected: yes.
Comment: ACMG classification criteria: PS4 supporting, PM2 moderated, PM6 moderated